The following is an entry in ClinVar:

NM_014332.3(SMPX):c.238C>G (p.Leu80Val)

Gene: SMPX (small muscle protein X-linked; minus strand). Cytogenetic location: Xp22.12.
Variant type: single nucleotide variant.
Coding change: c.238C>G on transcript NM_014332.3 (MANE Select); coding-DNA position 238, C replaced by G.
Protein change: p.Leu80Val; replaces leucine 80 with valine.
Molecular consequence: missense variant. On other transcripts: non-coding transcript variant (1).
Genome position (GRCh38, 1-based): chrX:21,737,592, G>C on the plus strand (C>G on the coding strand, the complement: SMPX is on the minus strand). VCF-style: chrX-21737592-G-C. GRCh37 (hg19) VCF-style: chrX-21755710-G-C.
Other names: short protein forms L80V.
Identifiers: ClinVar variation 1065073 (VCV001065073.3), dbSNP rs2147386996, ClinGen allele CA412562231.
Genomic context (GRCh38, chrX:21,737,592, plus strand): 5'-GATAGTTTTTCACTCACCTTTTTTCTTCCTACTACTGTTCAGCTTTGGGGACATATTTTA[G>C]TTCACTTTTAATATTCTGGATTTCCGATAGATTGACTGCAGGTCCTGGAAGTTTCTTCGC-3'
Protein context (NP_055147.1, residues 70-88): LSEIQNIKSE[Leu80Val]KYVPKAEQ

ClinVar aggregate classification (germline): Uncertain significance (1 of 4 stars; one submission).

Conditions:
Hearing impairment. Also called: Impaired Hearing. Identifiers: MedGen C1384666, MONDO:0005365, HP:0000365.

Submission:

Department of Otolaryngology – Head & Neck Surgery, Cochlear Implant Center
Classification: Uncertain significance for Hearing impairment. Last evaluated: 2021-04-12. Review status: criteria provided, single submitter. Criteria: ClinGen HL ACMG Specifications v1. Collection method: clinical testing. Allele origin: germline. Affected: yes.
Comment: PM2_Moderate, PP3_Supporting